The following is an entry in ClinVar:

ClinVar aggregate classification (germline): Pathogenic (1 of 4 stars; one submission).

Conditions:
Tuberous sclerosis 2 (TSC2). Identifiers: Orphanet 805, MedGen C1860707, MONDO:0013199, OMIM 613254.

Submission:

Labcorp Genetics (formerly Invitae), Labcorp
Classification: Pathogenic for Tuberous sclerosis 2. Last evaluated: 2023-04-28. Review status: criteria provided, single submitter. Criteria: Invitae Variant Classification Sherloc (09022015). Collection method: clinical testing. Allele origin: germline.
Comment: This sequence change creates a premature translational stop signal (p.Leu1266Serfs*56) in the TSC2 gene. It is expected to result in an absent or disrupted protein product. Loss-of-function variants in TSC2 are known to be pathogenic (PMID: 10205261, 17304050). For these reasons, this variant has been classified as Pathogenic. This variant has not been reported in the literature in individuals affected with TSC2-related conditions. This variant is not present in population databases (gnomAD no frequency).

Literature cited by the submitters: PubMed 10205261; PubMed 17304050.

NM_000548.5(TSC2):c.3794dup (p.Leu1266fs)

Gene: TSC2 (TSC complex subunit 2; plus strand). Cytogenetic location: 16p13.3.
Variant type: Duplication.
Coding change: c.3794dup on transcript NM_000548.5 (MANE Select); coding-DNA position 3794, one base duplicated (C; older notation c.3794dupC).
Protein change: p.Leu1266fs; shifts the reading frame from leucine 1266.
Molecular consequence: frameshift variant. On other transcripts: non-coding transcript variant (5).
Genome position (GRCh38, 1-based): chr16:2,081,778, C duplicated; the last of 2 consecutive C bases (chr16:2,081,777-2,081,778); duplicating either gives the same sequence. VCF-style (leftmost placement, unchanged base first): chr16-2081776-T-TC. GRCh37 (hg19) VCF-style: chr16-2131777-T-TC.
Other names: c.3662dup, p.Leu1222fs (NM_001077183.3, NM_001370404.1, NM_001406665.1); c.3794dup, p.Leu1266fs (NM_001114382.3); c.3554dup, p.Leu1186fs (NM_001318827.2); c.3518dup, p.Leu1174fs (NM_001318829.2); c.3062dup, p.Leu1022fs (NM_001318831.2, NM_001406687.1, NM_001406688.1); c.3695dup, p.Leu1233fs (NM_001318832.2); c.3665dup, p.Leu1223fs (NM_001363528.2, NM_001370405.1, NM_021055.3); c.3791dup, p.Leu1265fs (NM_001406663.1, NM_001406664.1); and 18 more; short protein forms L1023fs, L1185fs, L1186fs, L1203fs, L1218fs, L1229fs, L774fs, L1065fs.
Identifiers: ClinVar variation 2860080 (VCV002860080.3), dbSNP rs2544163111, ClinGen allele CA2739269938.
Genomic context (GRCh38, chr16:2,081,776, plus strand): 5'-CCGGGACACAGCCCTGTACAAGTCACTGTCGGTGCCGGCAGCCAGCACGGCCAAACCCCC[T>TC]CCTCTGCCTCGCTCCAACACAGGTGAGTGGCATGGCGGGCCTTGGCACGGGCTCTGCTCC-3'